The following is an entry in ClinVar:

NM_007294.4(BRCA1):c.5313C>G (p.Pro1771=)

Gene: BRCA1 (BRCA1 DNA repair associated; minus strand). Cytogenetic location: 17q21.31.
Variant type: single nucleotide variant.
Coding change: c.5313C>G on transcript NM_007294.4 (MANE Select); coding-DNA position 5313, C replaced by G.
Protein change: p.Pro1771=; no amino-acid change (proline 1771 retained).
Molecular consequence: synonymous variant. On other transcripts: intron variant (2).
Genome position (GRCh38, 1-based): chr17:43,051,082, G>C on the plus strand (C>G on the coding strand, the complement: BRCA1 is on the minus strand). VCF-style: chr17-43051082-G-C. GRCh37 (hg19) VCF-style: chr17-41203099-G-C.
Other names: c.1860C>G, p.Pro620= (NM_001408459.1, NM_001408460.1, NM_001408461.1 and 7 more transcripts); c.1857C>G, p.Pro619= (NM_001408468.1, NM_001408469.1, NM_001408470.1); c.2001C>G, p.Pro667= (NM_001408472.1, NM_007298.4, NM_007299.4 and 13 more transcripts); c.1998C>G, p.Pro666= (NM_001408473.1, NM_001408392.1, NM_001408396.1 and 8 more transcripts); c.1803C>G, p.Pro601= (NM_001408474.1); c.1800C>G, p.Pro600= (NM_001408475.1, NM_001408476.1); c.1794C>G, p.Pro598= (NM_001408478.1, NM_001408479.1, NM_001408480.1); c.1791C>G, p.Pro597= (NM_001408481.1, NM_001408482.1, NM_001408483.1 and 5 more transcripts); and 74 more.
Identifiers: ClinVar variation 868301 (VCV000868301.3), dbSNP rs1131692076, ClinGen allele CA500143588.
Genomic context (GRCh38, chr17:43,051,082, plus strand): 5'-AAGGCTGGTGCTGGAACTCTGGGGTTCTCCCAGGCTCTTACCTGTGGGCATGTTGGTGAA[G>C]GGCCCATAGCAACAGATTTCTAGCCCCCTGAAGATCTGGAAGAAGAGAGGAAGAGAGAGG-3'
Protein context (NP_009225.1, residues 1761-1781): FRGLEICCYG[Pro1771=]FTNMPTDQLE

Conditions:
Breast-ovarian cancer, familial, susceptibility to, 1 (BROVCA1). Also called: BRCA1 Hereditary Breast and Ovarian Cancer; OVARIAN CANCER, SUSCEPTIBILITY TO. Identifiers: Orphanet 145, MedGen C2676676, MONDO:0011450, OMIM 604370. Disease mechanism: loss of function.

Submission:

Brotman Baty Institute, University of Washington
No classification provided (evidence only). Condition: Breast-ovarian cancer, familial 1. Review status: no classification provided. Collection method: in vitro. Allele origin: not applicable. Functional consequence: functionally_normal.
ClinVar note: "not provided" was previously submitted as the classification for the variant. However, the classification appeared to be based only on an observation of functional data so it was converted to no classification on 2025-07-30.